The following is an entry in ClinVar:

NM_000543.5(SMPD1):c.873T>A (p.Arg291=)

Gene: SMPD1 (sphingomyelin phosphodiesterase 1; plus strand). Cytogenetic location: 11p15.4.
Variant type: single nucleotide variant.
Coding change: c.873T>A on transcript NM_000543.5 (MANE Select); coding-DNA position 873, T replaced by A.
Protein change: p.Arg291=; no amino-acid change (arginine 291 retained).
Molecular consequence: synonymous variant. On other transcripts: 5 prime UTR variant (1), non-coding transcript variant (1).
Genome position (GRCh38, 1-based): chr11:6,391,938, T>A. VCF-style: chr11-6391938-T-A. GRCh37 (hg19) VCF-style: chr11-6413168-T-A.
Other names: c.870T>A, p.Arg290= (NM_001007593.3); c.873T>A, p.Arg291= (NM_001318087.2, NM_001365135.2); c.-89T>A (NM_001318088.2).
Identifiers: ClinVar variation 4536102 (VCV004536102.1).

ClinVar aggregate classification (germline): Likely benign (1 of 4 stars; one submission).

Submission:

Women's Health and Genetics/Laboratory Corporation of America, LabCorp
Classification: Likely benign. Last evaluated: 2025-09-22. Review status: criteria provided, single submitter. Criteria: LabCorp Variant Classification Summary - May 2015. Collection method: clinical testing. Allele origin: germline.
Comment: Variant summary: SMPD1 c.873T>A alters a non-conserved nucleotide resulting in a synonymous change. Consensus agreement among computation tools predict no significant impact on normal splicing. However, these predictions have yet to be confirmed by functional studies. The variant was absent in 251440 control chromosomes. The available data on variant occurrences in the general population are insufficient to allow any conclusion about variant significance. To our knowledge, no occurrence of c.873T>A in individuals affected with SMPD1-related conditions and no experimental evidence demonstrating its impact on protein function have been reported. No submitters have cited clinical-significance assessments for this variant to ClinVar. Based on the evidence outlined above, the variant was classified as likely benign.